The following is an entry in ClinVar:

ClinVar aggregate classification (germline): Pathogenic (0 of 4 stars; one submission).

Conditions:
Adams-Oliver syndrome 2 (AOS2). Identifiers: Orphanet 974, MedGen C3280182, MONDO:0013635, OMIM 614219.

Submission:

Prenatal Diagnosis Center, The Affiliated Hospital of Qingdao University
Classification: Pathogenic for Adams-Oliver syndrome 2. Review status: no assertion criteria provided. Collection method: clinical testing. Allele origin: inherited. Inheritance: Autosomal recessive inheritance. Affected: yes.
Comment: c.3241-1G>T occurs in the splicing region, resulting in altered protein function (PVS1); this variant constitutes compound heterozygosity with the c.3190_3191del variant site (PM3); this variant is not detected in the reference population Thousands of Genomes (1000G), Divine Genome Database, ExAC, and the gnomAD were not found (PM2_Supporting). In summary, this variant met the criteria to be classified as pathogenic for AOS according to ACMG criteria: PVS1, PM3, PM2_Supporting.

NM_020812.4(DOCK6):c.3241-1G>T

Gene: DOCK6 (dedicator of cytokinesis 6; minus strand). Cytogenetic location: 19p13.2.
Variant type: single nucleotide variant.
Coding change: c.3241-1G>T on transcript NM_020812.4 (MANE Select); the canonical splice acceptor site of the intron before coding-DNA position 3241, G replaced by T.
Molecular consequence: splice acceptor variant.
Genome position (GRCh38, 1-based): chr19:11,222,249, C>A on the plus strand (G>T on the coding strand, the complement: DOCK6 is on the minus strand). VCF-style: chr19-11222249-C-A. GRCh37 (hg19) VCF-style: chr19-11332925-C-A.
Other names: c.3346-1G>T (NM_001367830.1).
Identifiers: ClinVar variation 3893259 (VCV003893259.1).